The following is an entry in ClinVar:

NM_001366006.2(ADGRL2):c.1741C>T (p.Leu581=)

Gene: ADGRL2 (adhesion G protein-coupled receptor L2; plus strand). Cytogenetic location: 1p31.1.
Variant type: single nucleotide variant.
Coding change: c.1741C>T on transcript NM_001366006.2 (MANE Select); coding-DNA position 1741, C replaced by T.
Protein change: p.Leu581=; no amino-acid change (leucine 581 retained).
Molecular consequence: synonymous variant. On other transcripts: non-coding transcript variant (1).
Genome position (GRCh38, 1-based): chr1:81,952,089, C>T. VCF-style: chr1-81952089-C-T. GRCh37 (hg19) VCF-style: chr1-82417773-C-T.
Other names: c.1729C>T, p.Leu577= (NM_001297704.3, NM_001297705.3, NM_001297706.3 and 10 more transcripts); c.1741C>T, p.Leu581= (NM_001350698.2, NM_001366003.2, NM_001366004.2 and 4 more transcripts).
Identifiers: ClinVar variation 3035183 (VCV003035183.2), dbSNP rs368142284, ClinGen allele CA922521.

ClinVar aggregate classification (germline): Likely benign (0 of 4 stars; one submission).

Conditions:
ADGRL2-related disorder. Also called: ADGRL2-related condition.

Allele frequency attached by ClinVar (database versions not stated): ExAC 0.00021; gnomAD 0.00025; gnomAD exomes 0.00027; TOPMed 0.00028; ESP Exome Variant Server 0.00031; 1000 Genomes Project 0.00060; 1000 Genomes Project 30x 0.00078.
gnomAD v4.1: 456 of 1,613,266 alleles (0.028%); highest among the groups gnomAD compares: Middle Eastern, 0.3%; no homozygotes.

Submission:

PreventionGenetics, part of Exact Sciences
Classification: Likely benign for ADGRL2-related condition. Last evaluated: 2019-08-12. Review status: no assertion criteria provided. Collection method: clinical testing. Allele origin: germline.
Comment: This variant is classified as likely benign based on ACMG/AMP sequence variant interpretation guidelines (Richards et al. 2015 PMID: 25741868, with internal and published modifications).